The following is an entry in ClinVar:

ClinVar aggregate classification (germline): Uncertain significance. Review status: criteria provided, multiple submitters, no conflicts (2 of 4 stars). 2 submissions from 2 submitters: Uncertain significance (2). Last evaluated 2024-12-04.

Conditions:
RASopathy. Also called: rasopathies; Noonan spectrum disorder. Identifiers: Orphanet 536391, MedGen C5555857, MONDO:0021060.

Submissions (2):

Labcorp Genetics (formerly Invitae), Labcorp
Classification: Uncertain significance for RASopathy. Last evaluated: 2024-12-04. Review status: criteria provided, single submitter. Criteria: Invitae Variant Classification Sherloc (09022015). Collection method: clinical testing. Allele origin: germline.
Comment: This sequence change replaces valine, which is neutral and non-polar, with methionine, which is neutral and non-polar, at codon 516 of the RAF1 protein (p.Val516Met). This variant is not present in population databases (gnomAD no frequency). This variant has not been reported in the literature in individuals affected with RAF1-related conditions. ClinVar contains an entry for this variant (Variation ID: 1677819). Invitae Evidence Modeling incorporating data from in vitro experimental studies (internal data) indicates that this missense variant is not expected to disrupt RAF1 function with a negative predictive value of 95%. In summary, the available evidence is currently insufficient to determine the role of this variant in disease. Therefore, it has been classified as a Variant of Uncertain Significance.

AiLife Diagnostics
Classification: Uncertain significance. Last evaluated: 2022-01-18. Review status: criteria provided, single submitter. Criteria: ACMG Guidelines, 2015. Collection method: clinical testing. Allele origin: germline. Affected: yes. Observed: 1 variant allele.

NM_002880.4(RAF1):c.1546G>A (p.Val516Met)

Gene: RAF1 (Raf-1 proto-oncogene, serine/threonine kinase; minus strand). Cytogenetic location: 3p25.2.
Variant type: single nucleotide variant.
Coding change: c.1546G>A on transcript NM_002880.4 (MANE Select); coding-DNA position 1546, G replaced by A.
Protein change: p.Val516Met; replaces valine 516 with methionine.
Molecular consequence: missense variant. On other transcripts: non-coding transcript variant (3).
Genome position (GRCh38, 1-based): chr3:12,585,244, C>T on the plus strand (G>A on the coding strand, the complement: RAF1 is on the minus strand). VCF-style: chr3-12585244-C-T. GRCh37 (hg19) VCF-style: chr3-12626743-C-T.
Other names: c.1606G>A, p.Val536Met (NM_001354689.3); c.1546G>A, p.Val516Met (NM_001354690.3); c.1303G>A, p.Val435Met (NM_001354691.3, NM_001354692.3); c.1447G>A, p.Val483Met (NM_001354693.3); c.1363G>A, p.Val455Met (NM_001354694.3); c.1204G>A, p.Val402Met (NM_001354695.3); short protein forms V402M, V435M, V455M, V483M, V516M, V536M.
Identifiers: ClinVar variation 1677819 (VCV001677819.3), dbSNP rs2125323061, ClinGen allele CA351497995.